The following is an entry in ClinVar:

NM_015346.4(ZFYVE26):c.3177C>G (p.Cys1059Trp)

Gene: ZFYVE26 (zinc finger FYVE-type containing 26; minus strand). Cytogenetic location: 14q24.1.
Variant type: single nucleotide variant.
Coding change: c.3177C>G on transcript NM_015346.4 (MANE Select); coding-DNA position 3177, C replaced by G.
Protein change: p.Cys1059Trp; replaces cysteine 1059 with tryptophan.
Molecular consequence: missense variant.
Genome position (GRCh38, 1-based): chr14:67,785,985, G>C on the plus strand (C>G on the coding strand, the complement: ZFYVE26 is on the minus strand). VCF-style: chr14-67785985-G-C. GRCh37 (hg19) VCF-style: chr14-68252702-G-C.
Other names: c.3177C>G (NM_015346.3); short protein forms C1059W.
Identifiers: ClinVar variation 1495352 (VCV001495352.4), dbSNP rs1345853054, ClinGen allele CA390172821.

ClinVar aggregate classification (germline): Uncertain significance. Review status: criteria provided, multiple submitters, no conflicts (2 of 4 stars). 2 submissions from 2 submitters: Uncertain significance (2). Last evaluated 2025-08-01.

Conditions:
Spastic paraplegia. Identifiers: MedGen C0037772, HP:0001258.
Inborn genetic diseases. Identifiers: MedGen C0950123, MeSH D030342.

Allele frequency attached by ClinVar (database versions not stated): gnomAD exomes 0.00001 and 0.00002.
gnomAD v4.1: 4 of 1,614,228 alleles (0.00025%); highest among the groups gnomAD compares: Admixed American, 0.0067%; no homozygotes.

Submissions (2):

Ambry Genetics
Classification: Uncertain significance for Inborn genetic diseases. Last evaluated: 2025-08-01. Review status: criteria provided, single submitter. Criteria: Ambry Variant Classification Scheme 2023. Collection method: clinical testing. Allele origin: germline.

Labcorp Genetics (formerly Invitae), Labcorp
Classification: Uncertain significance for Spastic paraplegia. Last evaluated: 2022-08-08. Review status: criteria provided, single submitter. Criteria: Invitae Variant Classification Sherloc (09022015). Collection method: clinical testing. Allele origin: germline.
Comment: This sequence change replaces cysteine, which is neutral and slightly polar, with tryptophan, which is neutral and slightly polar, at codon 1059 of the ZFYVE26 protein (p.Cys1059Trp). This variant is present in population databases (no rsID available, gnomAD 0.01%). This variant has not been reported in the literature in individuals affected with ZFYVE26-related conditions. ClinVar contains an entry for this variant (Variation ID: 1495352). Algorithms developed to predict the effect of missense changes on protein structure and function are either unavailable or do not agree on the potential impact of this missense change (SIFT: "Deleterious"; PolyPhen-2: "Benign"; Align-GVGD: "Class C15"). In summary, the available evidence is currently insufficient to determine the role of this variant in disease. Therefore, it has been classified as a Variant of Uncertain Significance.